The following is an entry in ClinVar:

NM_025114.4(CEP290):c.6454A>C (p.Lys2152Gln)

Gene: CEP290 (centrosomal protein 290; minus strand). Cytogenetic location: 12q21.32.
Variant type: single nucleotide variant.
Coding change: c.6454A>C on transcript NM_025114.4 (MANE Select); coding-DNA position 6454, A replaced by C.
Protein change: p.Lys2152Gln; replaces lysine 2152 with glutamine.
Molecular consequence: missense variant.
Genome position (GRCh38, 1-based): chr12:88,060,898, T>G on the plus strand (A>C on the coding strand, the complement: CEP290 is on the minus strand). VCF-style: chr12-88060898-T-G. GRCh37 (hg19) VCF-style: chr12-88454675-T-G.
Other names: short protein forms K2152Q.
Identifiers: ClinVar variation 5000701 (VCV005000701.1).
Genomic context (GRCh38, chr12:88,060,898, plus strand): 5'-TTTCATTTTCCTGCTCAATATTAGCCATTTTTTCACTAGTCAATATTCCTGATGCTTTTT[T>G]CAACTGTTCATTTTCTCTCTGGACTTTTTCAACTACTTTTTTCATTAAACCAATGGTTTT-3'
Protein context (NP_079390.3, residues 2142-2162): EKVQRENEQL[Lys2152Gln]KASGILTSEK

ClinVar aggregate classification (germline): Uncertain significance (1 of 4 stars; one submission).

Conditions:
CEP290-related disorder. Also called: CEP290-related condition; CEP290-related disorders. Identifiers: MedGen CN239314.

gnomAD v4.1: 1 of 1,554,464 alleles (0.000064%); highest among the groups gnomAD compares: African/African-American, 0.0014%; no homozygotes.

Submission:

PreventionGenetics, part of Exact Sciences
Classification: Uncertain significance for CEP290-related condition. Last evaluated: 2024-11-02. Review status: criteria provided, single submitter. Criteria: ACMG Guidelines, 2015. Collection method: clinical testing. Allele origin: germline.
Comment: The CEP290 c.6454A>C variant is predicted to result in the amino acid substitution p.Lys2152Gln. To our knowledge, this variant has not been reported in the literature or in a large population database (gnomAD), indicating this variant is rare. At this time, the clinical significance of this variant is uncertain due to the absence of conclusive functional and genetic evidence.